The following is an entry in ClinVar:

NM_212482.4(FN1):c.5435-7T>C

Gene: FN1 (fibronectin 1; minus strand). Cytogenetic location: 2q35.
Variant type: single nucleotide variant.
Coding change: c.5435-7T>C on transcript NM_212482.4 (MANE Select); 7 bases into the intron before coding-DNA position 5435, T replaced by C.
Molecular consequence: intron variant.
Genome position (GRCh38, 1-based): chr2:215,379,324, A>G on the plus strand (T>C on the coding strand, the complement: FN1 is on the minus strand). VCF-style: chr2-215379324-A-G. GRCh37 (hg19) VCF-style: chr2-216244047-A-G.
Other names: c.4892-7T>C (NM_212474.3, NM_001306132.2, NM_001365523.2 and 2 more transcripts); c.5162-7T>C (NM_001365524.2, NM_212478.3, NM_001365520.2 and 2 more transcripts); c.5165-7T>C (NM_001306130.2, NM_001365522.2, NM_001365519.2 and 2 more transcripts); c.5435-7T>C (NM_001306129.2).
Identifiers: ClinVar variation 1167418 (VCV001167418.38), dbSNP rs202045892, ClinGen allele CA2094140.

ClinVar aggregate classification (germline): Conflicting classifications of pathogenicity. Review status: criteria provided, conflicting classifications (1 of 4 stars). 5 submissions from 5 submitters: Uncertain significance (1); Benign (2); Likely benign (2). Last evaluated 2026-03-01.

Allele frequency attached by ClinVar (database versions not stated): 1000 Genomes Project 30x 0.00016; TOPMed 0.00047; gnomAD exomes 0.00062 and 0.00080; gnomAD 0.00066 and 0.00068; ExAC 0.00072; ESP Exome Variant Server 0.00092.
gnomAD v4.1: 1,253 of 1,613,708 alleles (0.078%); highest among the groups gnomAD compares: Non-Finnish European, 0.095%; no homozygotes.

Submissions (5):

CeGaT Center for Human Genetics Tuebingen
Classification: Likely benign. Last evaluated: 2026-03-01. Review status: criteria provided, single submitter. Criteria: CeGaT Center For Human Genetics Tuebingen Variant Classification Criteria Version 2. Collection method: clinical testing. Allele origin: germline. Affected: yes. Observed: 4 variant alleles.
Comment: FN1: BP4, BS1

Labcorp Genetics (formerly Invitae), Labcorp
Classification: Benign. Last evaluated: 2025-12-28. Review status: criteria provided, single submitter. Criteria: Invitae Variant Classification Sherloc (09022015). Collection method: clinical testing. Allele origin: germline.

Blueprint Genetics
Classification: Likely benign. Last evaluated: 2024-11-26. Review status: criteria provided, single submitter. Criteria: ACMG Guidelines, 2015. Collection method: clinical testing. Allele origin: germline.

Institute for Clinical Genetics, University Hospital TU Dresden, University Hospital TU Dresden
Classification: Uncertain significance. Last evaluated: 2021-11-03. Review status: criteria provided, single submitter. Criteria: ACMG Guidelines, 2015. Collection method: clinical testing. Allele origin: germline.

GeneDx
Classification: Benign. Last evaluated: 2020-03-31. Review status: criteria provided, single submitter. Criteria: GeneDx Variant Classification Process June 2021. Collection method: clinical testing. Allele origin: germline. Affected: yes.